The following is an entry in ClinVar:

ClinVar aggregate classification (germline): Likely pathogenic (1 of 4 stars; one submission).

Submissions (2):

GeneDx
Classification: Likely pathogenic. Last evaluated: 2022-09-07. Review status: criteria provided, single submitter. Criteria: GeneDx Variant Classification Process June 2021. Collection method: clinical testing. Allele origin: germline. Affected: yes.
Comment: Observed in hemizygous state in a patient with a predominantly respiratory phenotype and was also hemizygous for a second variant in the CYBB gene in the literature (Dai et al., 2021); Canonical splice site variant expected to result in aberrant splicing, although in the absence of functional evidence the actual effect of this sequence change is unknown.; Not observed at significant frequency in large population cohorts (gnomAD); This variant is associated with the following publications: (PMID: 20729109, 34134972)

Dr. Peter K. Rogan Lab, Western University
No classification provided (evidence only). Condition: Thyroid cancer, nonmedullary, 1. Review status: no classification provided. Collection method: in vitro. Allele origin: not applicable. Functional consequence: retained intron. Not counted in ClinVar's aggregate classification.

NM_000397.4(CYBB):c.1315-1G>T

Gene: CYBB (cytochrome b-245 beta chain; plus strand). Cytogenetic location: Xp11.4.
Variant type: single nucleotide variant.
Coding change: c.1315-1G>T on transcript NM_000397.4 (MANE Select); the canonical splice acceptor site of the intron before coding-DNA position 1315, G replaced by T.
Molecular consequence: splice acceptor variant.
Genome position (GRCh38, 1-based): chrX:37,806,386, G>T. VCF-style: chrX-37806386-G-T. GRCh37 (hg19) VCF-style: chrX-37665639-G-T.
Other names: NC_000023.10:g.37665639G>T.
Identifiers: ClinVar variation 1704981 (VCV001704981.3), dbSNP rs1556471620, ClinGen allele CA412977973.